The following is an entry in ClinVar:

NM_006231.4(POLE):c.3782T>G (p.Leu1261Arg)

Gene: POLE (DNA polymerase epsilon, catalytic subunit; minus strand). Cytogenetic location: 12q24.33.
Variant type: single nucleotide variant.
Coding change: c.3782T>G on transcript NM_006231.4 (MANE Select); coding-DNA position 3782, T replaced by G.
Protein change: p.Leu1261Arg; replaces leucine 1261 with arginine.
Molecular consequence: missense variant.
Genome position (GRCh38, 1-based): chr12:132,649,690, A>C on the plus strand (T>G on the coding strand, the complement: POLE is on the minus strand). VCF-style: chr12-132649690-A-C. GRCh37 (hg19) VCF-style: chr12-133226276-A-C.
Other names: short protein forms L1261R.
Identifiers: ClinVar variation 2798825 (VCV002798825.3), dbSNP rs2042375611, ClinGen allele CA387385941.

ClinVar aggregate classification (germline): Uncertain significance (1 of 4 stars; one submission).

Allele frequency attached by ClinVar (database versions not stated): TOPMed below 0.00001.

Submission:

Labcorp Genetics (formerly Invitae), Labcorp
Classification: Uncertain significance. Last evaluated: 2023-02-09. Review status: criteria provided, single submitter. Criteria: Invitae Variant Classification Sherloc (09022015). Collection method: clinical testing. Allele origin: germline.
Comment: This sequence change replaces leucine, which is neutral and non-polar, with arginine, which is basic and polar, at codon 1261 of the POLE protein (p.Leu1261Arg). This variant is not present in population databases (gnomAD no frequency). This variant has not been reported in the literature in individuals affected with POLE-related conditions. Advanced modeling of protein sequence and biophysical properties (such as structural, functional, and spatial information, amino acid conservation, physicochemical variation, residue mobility, and thermodynamic stability) performed at Invitae indicates that this missense variant is not expected to disrupt POLE protein function. In summary, the available evidence is currently insufficient to determine the role of this variant in disease. Therefore, it has been classified as a Variant of Uncertain Significance.